The following is an entry in ClinVar:

ClinVar aggregate classification (germline): Pathogenic. Review status: criteria provided, multiple submitters, no conflicts (2 of 4 stars). 5 submissions from 5 submitters: Pathogenic (5). Last evaluated 2025-11-24.

Conditions:
Mitochondrial disease. Also called: Mitochondrial disorder; Mitochondrial disorders. Identifiers: Orphanet 68380, MedGen C0751651, MeSH D028361, MONDO:0044970.
Mitochondrial DNA depletion syndrome, myopathic form (MTDPS2). Also called: MITOCHONDRIAL DNA DEPLETION MYOPATHY, TK2-RELATED; MITOCHONDRIAL DNA DEPLETION SYNDROME 2 (MYOPATHIC TYPE); TK2-Related Mitochondrial DNA Maintenance Defect, Myopathic Form. Identifiers: Orphanet 254875, MedGen C3149750, MONDO:0012301, OMIM 609560.

Submissions (5):

Genomenon, Inc
Classification: Pathogenic for Mitochondrial disease. Last evaluated: 2025-11-24. Review status: criteria provided, single submitter. Criteria: Genomenon Sequence Variant Interpretation Standards - Updated. Collection method: curation. Allele origin: germline. Affected: yes.
Comment: TK2 p.Lys43AsnfsTer9 (c.129_132del) is a frameshift variant that results in the production of a truncated protein which is predicted to have a deleterious effect on TK2 gene function. It is also described as K85NfsX9 in the literature. This variant has been observed in a proband affected with mitochondrial disease in the compound heterozygous state (19736010). This variant is not present at a significant frequency in gnomAD. In conclusion, we classify TK2 p.Lys43AsnfsTer9 (c.129_132del) as a pathogenic variant.

Labcorp Genetics (formerly Invitae), Labcorp
Classification: Pathogenic. Last evaluated: 2025-09-24. Review status: criteria provided, single submitter. Criteria: Invitae Variant Classification Sherloc (09022015). Collection method: clinical testing. Allele origin: germline.
Comment: This sequence change creates a premature translational stop signal (p.Lys43Asnfs*9) in the TK2 gene. It is expected to result in an absent or disrupted protein product. Loss-of-function variants in TK2 are known to be pathogenic (PMID: 20421844). This variant is present in population databases (rs281865500, gnomAD 0.0009%). This premature translational stop signal has been observed in individual(s) with mitochondrial DNA depletion syndrome (PMID: 19736010). This variant is also known as c.255_c.258delAGAA (p.K85NfsX9). ClinVar contains an entry for this variant (Variation ID: 38973). For these reasons, this variant has been classified as Pathogenic.

GeneDx
Classification: Pathogenic. Last evaluated: 2024-09-21. Review status: criteria provided, single submitter. Criteria: GeneDx Variant Classification Process June 2021. Collection method: clinical testing. Allele origin: germline. Affected: yes.
Comment: Frameshift variant predicted to result in protein truncation or nonsense mediated decay in a gene for which loss of function is a known mechanism of disease; Not observed at significant frequency in large population cohorts (gnomAD); This variant is associated with the following publications: (PMID: 32573669, 29602790, 34930662, 23932787, 19736010)

Victorian Clinical Genetics Services, Murdoch Childrens Research Institute
Classification: Pathogenic for Mitochondrial DNA depletion syndrome, myopathic form. Last evaluated: 2022-03-31. Review status: criteria provided, single submitter. Criteria: ACMG Guidelines, 2015. Collection method: clinical testing. Allele origin: germline. Inheritance: Autosomal recessive inheritance. Affected: yes.
Comment: Based on the classification scheme VCGS_Germline_v1.3.4, this variant is classified as Pathogenic. Following criteria are met: 0102 - Loss of function is a known mechanism of disease in this gene and is associated with mitochondrial DNA depletion syndrome 2 (myopathic type) (MIM#609560). (I) 0106 - This gene is associated with autosomal recessive disease. (I) 0115 - Variants in this gene are known to have variable expressivity (OMIM, GeneReviews). (I) 0201 - Variant is predicted to cause nonsense-mediated decay (NMD) and loss of protein (premature termination codon is located at least 54 nucleotides upstream of the final exon-exon junction). (SP) 0251 - This variant is heterozygous. (I) 0304 - Variant is present in gnomAD (v3) <0.01 for a recessive condition (1 heterozygote, 0 homozygotes). (SP) 0701 - Other null variants comparable to the one identified in this case have very strong previous evidence for pathogenicity. There are at least five NMD-predicted variants that have been classified as likely pathogenic or pathogenic (ClinVar, DECIPHER). (SP) 0803 - This variant has limited previous evidence of pathogenicity in an unrelated individual. This variant has been reported in a child with mitochondrial depletion syndrome and is compound heterozygous with a second missense variant in TK2 (PMID: 23932787). (SP) 0905 - No published segregation evidence has been identified for this variant. (I) Legend: (SP) - Supporting pathogenic, (I) - Information, (SB) - Supporting benign

HudsonAlpha Institute for Biotechnology
Classification: Pathogenic for Mitochondrial DNA depletion syndrome, myopathic form. Last evaluated: 2020-07-13. Review status: criteria provided, single submitter. Criteria: ACMG Guidelines, 2015. Collection method: research. Allele origin: inherited. Affected: yes. Observed: 1 homozygote. Study: CSER-SouthSeq.
Comment: ACMG codes:PVS1, PM2, PM3

Literature cited by the submitters: PubMed 19736010 (cited by Genomenon, Inc and Labcorp Genetics (formerly Invitae), Labcorp); PubMed 20421844 (cited by Labcorp Genetics (formerly Invitae), Labcorp); PubMed 23932787 (cited by Victorian Clinical Genetics Services, Murdoch Childrens Research Institute).

NM_004614.5(TK2):c.129_132del (p.Lys43fs)

Gene: TK2 (thymidine kinase 2; minus strand). Cytogenetic location: 16q21.
Variant type: Deletion.
Coding change: c.129_132del on transcript NM_004614.5 (MANE Select); coding-DNA positions 129 to 132, 4 bases deleted (AGAA; older notation c.129_132delAGAA).
Protein change: p.Lys43fs; shifts the reading frame from lysine 43.
Molecular consequence: frameshift variant. On other transcripts: 5 prime UTR variant (2), non-coding transcript variant (1).
Genome position (GRCh38, 1-based): chr16:66,549,002-66,549,005, TTCT deleted on the plus strand (AGAA on the coding strand, the reverse complement: TK2 is on the minus strand); deleting any 4 consecutive bases within chr16:66,549,002-66,549,007 gives the same sequence; the c. name uses the placement nearest the transcript's 3' end. VCF-style (leftmost placement, unchanged base first): chr16-66549001-GTTCT-G. GRCh37 (hg19) VCF-style: chr16-66582904-GTTCT-G.
Other names: c.36_39del, p.Lys12fs (NM_001172643.1, NM_001271935.1); c.129_132del, p.Lys43fs (NM_001172644.2, NM_001172645.2); c.-114_-111del (NM_001271934.2); c.-163_-160del (NM_001272050.2); c.129_132delAGAA (NM_004614.4); c.129_132del (NM_004614.4); short protein forms K12fs, K43fs.
Identifiers: ClinVar variation 38973 (VCV000038973.19), dbSNP rs281865500, ClinGen allele CA343285.